The following is an entry in ClinVar:

ClinVar aggregate classification (germline): not provided (0 of 4 stars; one submission).

Conditions:
Familial long QT syndrome (RWS). Also called: Congenital long QT syndrome; Romano-Ward syndrome; VENTRICULAR FIBRILLATION WITH PROLONGED QT INTERVAL. Identifiers: Orphanet 768, MedGen C1141890, MONDO:0019171.

Submission:

Cardiovascular Biomedical Research Unit, Royal Brompton & Harefield NHS Foundation Trust
No classification provided. Condition: Familial long QT syndrome. Review status: no classification provided. Collection method: literature only. Allele origin: germline.
Comment: This variant has been reported as associated with Long QT syndrome in the following publications (PMID:17905336). This is a literature report, and does not necessarily reflect the clinical interpretation of the Imperial College / Royal Brompton Cardiovascular Genetics laboratory.

Literature cited by the submitters: PubMed 17905336; PubMed 22581653.

NM_000238.4(KCNH2):c.125T>A (p.Ile42Asn)

Gene: KCNH2 (potassium voltage-gated channel subfamily H member 2; minus strand). Cytogenetic location: 7q36.1.
Variant type: single nucleotide variant.
Coding change: c.125T>A on transcript NM_000238.4 (MANE Select); coding-DNA position 125, T replaced by A.
Protein change: p.Ile42Asn; replaces isoleucine 42 with asparagine.
Molecular consequence: missense variant.
Genome position (GRCh38, 1-based): chr7:150,974,893, A>T on the plus strand (T>A on the coding strand, the complement: KCNH2 is on the minus strand). VCF-style: chr7-150974893-A-T. GRCh37 (hg19) VCF-style: chr7-150671981-A-T.
Other names: c.125T>A (LRG_288t1); c.-53T>A (NM_001406755.1); c.125T>A, p.Ile42Asn (NM_172056.3); short protein forms I42N.
Identifiers: ClinVar variation 67172 (VCV000067172.3), dbSNP rs199473488, ClinGen allele CA004330.